The following is an entry in ClinVar:

NM_001672.3(ASIP):c.309G>A (p.Pro103=)

Genes: AHCY (adenosylhomocysteinase; minus strand), ASIP (agouti signaling protein; plus strand). Cytogenetic location: 20q11.22.
Variant type: single nucleotide variant.
Coding change: c.309G>A on transcript NM_001672.3 (MANE Select); coding-DNA position 309, G replaced by A.
Protein change: p.Pro103=; no amino-acid change (proline 103 retained).
Molecular consequence: synonymous variant.
Genome position (GRCh38, 1-based): chr20:34,269,077, G>A. VCF-style: chr20-34269077-G-A. GRCh37 (hg19) VCF-style: chr20-32856883-G-A.
Other names: c.309G>A, p.Pro103= (NM_001385218.1).
Identifiers: ClinVar variation 5000039 (VCV005000039.1).

ClinVar aggregate classification (germline): Likely benign (1 of 4 stars; one submission).

Conditions:
ASIP-related condition.

Submission:

PreventionGenetics, part of Exact Sciences
Classification: Likely benign for ASIP-related condition. Last evaluated: 2025-05-01. Review status: criteria provided, single submitter. Criteria: ACMG Guidelines, 2015. Collection method: clinical testing. Allele origin: germline.
Comment: This variant is classified as likely benign based on ACMG/AMP sequence variant interpretation guidelines (Richards et al. 2015 PMID: 25741868, with internal and published modifications).